The following is an entry in ClinVar:

ClinVar aggregate classification (germline): Uncertain significance (1 of 4 stars; one submission).

gnomAD v4.1: 1,289 of 1,613,962 alleles (0.08%); highest among the groups gnomAD compares: Non-Finnish European, 0.1%; 5 homozygotes.

Submission:

Mayo Clinic Laboratories, Mayo Clinic
Classification: Uncertain significance. Last evaluated: 2025-10-27. Review status: criteria provided, single submitter. Criteria: ACMG Guidelines, 2015. Collection method: clinical testing. Allele origin: germline. Observed: 2 variant alleles.
Comment: PS3_supporting

Literature cited by the submitters: PubMed 24206041; PubMed 24819173; PubMed 31541133.

NM_005223.4(DNASE1):c.179A>G (p.Gln60Arg)

Gene: DNASE1 (deoxyribonuclease 1; plus strand). Cytogenetic location: 16p13.3.
Variant type: single nucleotide variant.
Coding change: c.179A>G on transcript NM_005223.4 (MANE Select); coding-DNA position 179, A replaced by G.
Protein change: p.Gln60Arg; replaces glutamine 60 with arginine.
Molecular consequence: missense variant. On other transcripts: non-coding transcript variant (2), intron variant (1).
Genome position (GRCh38, 1-based): chr16:3,655,880, A>G. VCF-style: chr16-3655880-A-G. GRCh37 (hg19) VCF-style: chr16-3705881-A-G.
Other names: p.Gln60Arg; c.179A>G, p.Gln60Arg (NM_001387135.1, NM_001387139.1, NM_001387140.1 and 1 more transcripts); c.30-222A>G (NM_001387141.1); short protein forms Q60R.
Identifiers: ClinVar variation 4542008 (VCV004542008.1).